The following is an entry in ClinVar:

ClinVar aggregate classification (germline): Benign. Review status: criteria provided, multiple submitters, no conflicts (2 of 4 stars). 2 submissions from 2 submitters: Benign (2). Last evaluated 2018-06-14.

Allele frequency attached by ClinVar (database versions not stated): gnomAD 0.58276 and 0.58788; TOPMed 0.59314; gnomAD exomes 0.59354; 1000 Genomes Project 30x 0.62320; 1000 Genomes Project 0.62780.
gnomAD v4.1: 944,415 of 1,592,404 alleles (59%); highest among the groups gnomAD compares: Admixed American, 76%; 282,398 homozygotes.

Submissions (2):

GeneDx
Classification: Benign. Last evaluated: 2018-06-14. Review status: criteria provided, single submitter. Criteria: GeneDx Variant Classification (06012015). Collection method: clinical testing. Allele origin: germline. Affected: yes.
Comment: This variant is considered likely benign or benign based on one or more of the following criteria: it is a conservative change, it occurs at a poorly conserved position in the protein, it is predicted to be benign by multiple in silico algorithms, and/or has population frequency not consistent with disease.

Breakthrough Genomics
Classification: Benign. Review status: criteria provided, single submitter. Criteria: ACMG Guidelines, 2015. Collection method: not provided. Allele origin: germline. Inheritance: Autosomal dominant inheritance. Affected: yes.

NM_058246.4(DNAJB6):c.899-93C>T

Gene: DNAJB6 (DnaJ heat shock protein family (Hsp40) member B6; plus strand). Cytogenetic location: 7q36.3.
Variant type: single nucleotide variant.
Coding change: c.899-93C>T on transcript NM_058246.4 (MANE Select); 93 bases into the intron before coding-DNA position 899, C replaced by T.
Molecular consequence: intron variant.
Genome position (GRCh38, 1-based): chr7:157,415,923, C>T. VCF-style: chr7-157415923-C-T. GRCh37 (hg19) VCF-style: chr7-157208617-C-T.
Other names: c.554-93C>T (NM_001363676.1).
Identifiers: ClinVar variation 679296 (VCV000679296.2), dbSNP rs1009135, ClinGen allele CA12577370.